The following is an entry in ClinVar:

ClinVar aggregate classification (germline): Uncertain significance (1 of 4 stars; one submission).

Conditions:
Complex cortical dysplasia with other brain malformations 4. Identifiers: MedGen C3809420, MONDO:0014171, OMIM 615412.

Submission:

Broad Center for Mendelian Genomics, Broad Institute of MIT and Harvard
Classification: Uncertain significance for Complex cortical dysplasia with other brain malformations 4. Last evaluated: 2018-12-03. Review status: criteria provided, single submitter. Criteria: ACMG Guidelines, 2015. Collection method: research. Allele origin: germline. Inheritance: Autosomal dominant inheritance. Affected: yes.
Comment: This variant was absent from large population studies. Computational prediction tools and conservation analyses do not provide strong support for or against an impact to the protein. The TUBG1 gene has a relatively low rate of benign missense variation, raising the possibility that a missense variant in this gene may not be tolerated. In summary, the clinical significance of the p.Asp206Glu variant is uncertain. ACMG/AMP Criteria applied: PM2, PP2 (Richards 2015).

NM_001070.5(TUBG1):c.618C>G (p.Asp206Glu)

Gene: TUBG1 (tubulin gamma 1; plus strand). Cytogenetic location: 17q21.2.
Variant type: single nucleotide variant.
Coding change: c.618C>G on transcript NM_001070.5 (MANE Select); coding-DNA position 618, C replaced by G.
Protein change: p.Asp206Glu; replaces aspartic acid 206 with glutamic acid.
Molecular consequence: missense variant.
Genome position (GRCh38, 1-based): chr17:42,613,658, C>G. VCF-style: chr17-42613658-C-G. GRCh37 (hg19) VCF-style: chr17-40765676-C-G.
Other names: short protein forms D206E.
Identifiers: ClinVar variation 813950 (VCV000813950.1), dbSNP rs1200312178, ClinGen allele CA399625650.